The following is an entry in ClinVar:

ClinVar aggregate classification (germline): Benign/Likely benign. Review status: criteria provided, multiple submitters, no conflicts (2 of 4 stars). 4 submissions from 4 submitters: Benign (2); Likely benign (2). Last evaluated 2026-06-01.

Allele frequency attached by ClinVar (database versions not stated): gnomAD 0.00368 and 0.00381; TOPMed 0.00407; 1000 Genomes Project 30x 0.00437; gnomAD exomes 0.00161 and 0.00289; ExAC 0.00281; 1000 Genomes Project 0.00339; ESP Exome Variant Server 0.00361.
gnomAD v4.1: 3,091 of 1,614,190 alleles (0.19%); highest among the groups gnomAD compares: Middle Eastern, 2%; 23 homozygotes.

Submissions (4):

CeGaT Center for Human Genetics Tuebingen
Classification: Benign. Last evaluated: 2026-06-01. Review status: criteria provided, single submitter. Criteria: CeGaT Center For Human Genetics Tuebingen Variant Classification Criteria Version 2. Collection method: clinical testing. Allele origin: germline. Affected: yes. Observed: 10 variant alleles.
Comment: NDUFA6: BS1, BS2

Labcorp Genetics (formerly Invitae), Labcorp
Classification: Benign. Last evaluated: 2025-12-02. Review status: criteria provided, single submitter. Criteria: Invitae Variant Classification Sherloc (09022015). Collection method: clinical testing. Allele origin: germline.

Genomic Diagnostic Laboratory, Division of Genomic Diagnostics, Children's Hospital of Philadelphia
Classification: Likely benign. Last evaluated: 2015-06-17. Review status: criteria provided, single submitter. Criteria: DGD Variant Analysis Guidelines. Collection method: clinical testing. Allele origin: unknown.

Breakthrough Genomics
Classification: Likely benign. Review status: criteria provided, single submitter. Criteria: ACMG Guidelines, 2015. Collection method: not provided. Allele origin: germline. Inheritance: Autosomal recessive inheritance. Affected: yes.

NM_002490.6(NDUFA6):c.322C>T (p.His108Tyr)

Gene: NDUFA6 (NADH:ubiquinone oxidoreductase subunit A6; minus strand). Cytogenetic location: 22q13.2.
Variant type: single nucleotide variant.
Coding change: c.322C>T on transcript NM_002490.6 (MANE Select); coding-DNA position 322, C replaced by T.
Protein change: p.His108Tyr; replaces histidine 108 with tyrosine.
Molecular consequence: missense variant.
Genome position (GRCh38, 1-based): chr22:42,086,248, G>A on the plus strand (C>T on the coding strand, the complement: NDUFA6 is on the minus strand). VCF-style: chr22-42086248-G-A. GRCh37 (hg19) VCF-style: chr22-42482252-G-A.
Other names: short protein forms H108Y.
Identifiers: ClinVar variation 218611 (VCV000218611.32), dbSNP rs113437301, ClinGen allele CA249092.